The following is an entry in ClinVar:

NM_001367624.2(ZNF469):c.9861C>T (p.Thr3287=)

Gene: ZNF469 (zinc finger protein 469; plus strand). Cytogenetic location: 16q24.2.
Variant type: single nucleotide variant.
Coding change: c.9861C>T on transcript NM_001367624.2 (MANE Select); coding-DNA position 9861, C replaced by T.
Protein change: p.Thr3287=; no amino-acid change (threonine 3287 retained).
Molecular consequence: synonymous variant.
Genome position (GRCh38, 1-based): chr16:88,437,331, C>T. VCF-style: chr16-88437331-C-T. GRCh37 (hg19) VCF-style: chr16-88503739-C-T.
Identifiers: ClinVar variation 3693779 (VCV003693779.3).

ClinVar aggregate classification (germline): Likely benign. Review status: criteria provided, multiple submitters, no conflicts (2 of 4 stars). 2 submissions from 2 submitters: Likely benign (2). Last evaluated 2026-07-01.

gnomAD v4.1: 1 of 1,546,448 alleles (0.000065%); highest among the groups gnomAD compares: Non-Finnish European, 0.000087%; no homozygotes.

Submissions (2):

CeGaT Center for Human Genetics Tuebingen
Classification: Likely benign. Last evaluated: 2026-07-01. Review status: criteria provided, single submitter. Criteria: CeGaT Center For Human Genetics Tuebingen Variant Classification Criteria Version 2. Collection method: clinical testing. Allele origin: germline. Affected: yes. Observed: 1 variant allele.
Comment: ZNF469: BP4, BP7

Labcorp Genetics (formerly Invitae), Labcorp
Classification: Likely benign. Last evaluated: 2024-11-25. Review status: criteria provided, single submitter. Criteria: Invitae Variant Classification Sherloc (09022015). Collection method: clinical testing. Allele origin: germline.